The following is an entry in ClinVar:

NM_000038.6(APC):c.7500G>C (p.Gln2500His)

Gene: APC (APC regulator of Wnt signaling pathway; plus strand). Cytogenetic location: 5q22.2.
Variant type: single nucleotide variant.
Coding change: c.7500G>C on transcript NM_000038.6 (MANE Select); coding-DNA position 7500, G replaced by C.
Protein change: p.Gln2500His; replaces glutamine 2500 with histidine.
Molecular consequence: missense variant.
Genome position (GRCh38, 1-based): chr5:112,843,094, G>C. VCF-style: chr5-112843094-G-C. GRCh37 (hg19) VCF-style: chr5-112178791-G-C.
Other names: c.7500G>C, p.Gln2500His (NM_001127510.3, NM_001354895.2, NM_001407450.1); c.7446G>C, p.Gln2482His (NM_001127511.3); c.7554G>C, p.Gln2518His (NM_001354896.2, NM_001407447.1, NM_001407448.1 and 1 more transcripts); c.7530G>C, p.Gln2510His (NM_001354897.2); c.7425G>C, p.Gln2475His (NM_001354898.2); c.7416G>C, p.Gln2472His (NM_001354899.2); c.7377G>C, p.Gln2459His (NM_001354900.2); c.7323G>C, p.Gln2441His (NM_001354901.2, NM_001407453.1); and 11 more; short protein forms Q2459H, Q2217H, Q2374H, Q2472H, Q2493H, Q2518H, Q2116H, Q2371H.
Identifiers: ClinVar variation 1759217 (VCV001759217.7), dbSNP rs1766496160, ClinGen allele CA16037641.

ClinVar aggregate classification (germline): Uncertain significance. Review status: criteria provided, multiple submitters, no conflicts (2 of 4 stars). 3 submissions from 3 submitters: Uncertain significance (3). Last evaluated 2024-12-20.

Conditions:
Hereditary cancer-predisposing syndrome. Also called: Neoplastic Syndromes, Hereditary; Tumor predisposition; Hereditary Cancer Syndrome; Hereditary neoplastic syndrome. Identifiers: Orphanet 140162, MedGen C0027672, MeSH D009386, MONDO:0015356.
Familial adenomatous polyposis 1 (FAP1). Also called: FAMILIAL ADENOMATOUS POLYPOSIS 1, ATTENUATED; POLYPOSIS, ADENOMATOUS INTESTINAL. Identifiers: MedGen C2713442, MONDO:0021056, OMIM 175100. Disease mechanism: loss of function.

Submissions (3):

Ambry Genetics
Classification: Uncertain significance for Hereditary cancer-predisposing syndrome. Last evaluated: 2024-12-20. Review status: criteria provided, single submitter. Criteria: Ambry Variant Classification Scheme 2023. Collection method: clinical testing. Allele origin: germline.
Comment: The p.Q2500H variant (also known as c.7500G>C), located in coding exon 15 of the APC gene, results from a G to C substitution at nucleotide position 7500. The glutamine at codon 2500 is replaced by histidine, an amino acid with highly similar properties. This amino acid position is conserved. Missense alterations in APC are not a common cause of disease (Spier I et al. Genet Med. 2024 Feb;26(2):100992). In addition, in silico predictors for this gene do not accurately predict pathogenicity. Since supporting evidence is limited at this time, the clinical significance of this alteration remains unclear.

Labcorp Genetics (formerly Invitae), Labcorp
Classification: Uncertain significance for Familial adenomatous polyposis 1. Last evaluated: 2024-10-29. Review status: criteria provided, single submitter. Criteria: Invitae Variant Classification Sherloc (09022015). Collection method: clinical testing. Allele origin: germline.
Comment: This sequence change replaces glutamine, which is neutral and polar, with histidine, which is basic and polar, at codon 2500 of the APC protein (p.Gln2500His). This variant is not present in population databases (gnomAD no frequency). This variant has not been reported in the literature in individuals affected with APC-related conditions. ClinVar contains an entry for this variant (Variation ID: 1759217). Invitae Evidence Modeling of protein sequence and biophysical properties (such as structural, functional, and spatial information, amino acid conservation, physicochemical variation, residue mobility, and thermodynamic stability) indicates that this missense variant is not expected to disrupt APC protein function with a negative predictive value of 95%. In summary, the available evidence is currently insufficient to determine the role of this variant in disease. Therefore, it has been classified as a Variant of Uncertain Significance.

Baylor Genetics
Classification: Uncertain significance for Familial adenomatous polyposis 1. Last evaluated: 2024-02-29. Review status: criteria provided, single submitter. Criteria: ACMG Guidelines, 2015. Collection method: clinical testing. Allele origin: unknown.